The following is an entry in ClinVar:

ClinVar aggregate classification (germline): Uncertain significance (1 of 4 stars; one submission).

Conditions:
Werner syndrome (WRN). Identifiers: Orphanet 902, MedGen C0043119, MONDO:0010196, OMIM 277700.

Allele frequency attached by ClinVar (database versions not stated): gnomAD 0.00001; TOPMed 0.00001.
gnomAD v4.1: 9 of 1,612,282 alleles (0.00056%); highest among the groups gnomAD compares: Non-Finnish European, 0.00076%; no homozygotes.

Submission:

Labcorp Genetics (formerly Invitae), Labcorp
Classification: Uncertain significance for Werner syndrome. Last evaluated: 2024-12-12. Review status: criteria provided, single submitter. Criteria: Invitae Variant Classification Sherloc (09022015). Collection method: clinical testing. Allele origin: germline.
Comment: This sequence change replaces aspartic acid, which is acidic and polar, with glycine, which is neutral and non-polar, at codon 566 of the WRN protein (p.Asp566Gly). This variant is not present in population databases (gnomAD no frequency). This variant has not been reported in the literature in individuals affected with WRN-related conditions. ClinVar contains an entry for this variant (Variation ID: 662009). An algorithm developed to predict the effect of missense changes on protein structure and function (PolyPhen-2) suggests that this variant is likely to be disruptive. RNA analysis performed to evaluate the impact of this missense change on mRNA splicing indicates it does not significantly alter splicing (internal data). In summary, the available evidence is currently insufficient to determine the role of this variant in disease. Therefore, it has been classified as a Variant of Uncertain Significance.

NM_000553.6(WRN):c.1697A>G (p.Asp566Gly)

Gene: WRN (WRN RecQ like helicase; plus strand). Cytogenetic location: 8p12.
Variant type: single nucleotide variant.
Coding change: c.1697A>G on transcript NM_000553.6 (MANE Select); coding-DNA position 1697, A replaced by G.
Protein change: p.Asp566Gly; replaces aspartic acid 566 with glycine.
Molecular consequence: missense variant.
Genome position (GRCh38, 1-based): chr8:31,090,509, A>G. VCF-style: chr8-31090509-A-G. GRCh37 (hg19) VCF-style: chr8-30948025-A-G.
Other names: short protein forms D566G.
Identifiers: ClinVar variation 662009 (VCV000662009.5), dbSNP rs758649710, ClinGen allele CA370927013.
Genomic context (GRCh38, chr8:31,090,509, plus strand): 5'-GCTTTTCACCTTCAAGAGTTCAGTGGAAAGTGATTCATTCAGTATTAGAAGAAAGAAGAG[A>G]TAATGTTGCTGTCATGGCAACTGGTAAGTTGTACTTAAGCAAAACCTAATCCTTTAAAAA-3'
Protein context (NP_000544.2, residues 556-576): VIHSVLEERR[Asp566Gly]NVAVMATGYG